The following is an entry in ClinVar:

ClinVar aggregate classification (germline): Uncertain significance (1 of 4 stars; one submission).

Allele frequency attached by ClinVar (database versions not stated): gnomAD 0.00001.
gnomAD v4.1: 1 of 1,155,464 alleles (0.000087%); highest among the groups gnomAD compares: African/African-American, 0.0018%; no homozygotes.

Submission:

Labcorp Genetics (formerly Invitae), Labcorp
Classification: Uncertain significance. Last evaluated: 2023-05-13. Review status: criteria provided, single submitter. Criteria: Invitae Variant Classification Sherloc (09022015). Collection method: clinical testing. Allele origin: germline.
Comment: In summary, the available evidence is currently insufficient to determine the role of this variant in disease. Therefore, it has been classified as a Variant of Uncertain Significance. Advanced modeling of protein sequence and biophysical properties (such as structural, functional, and spatial information, amino acid conservation, physicochemical variation, residue mobility, and thermodynamic stability) has been performed at Invitae for this missense variant, however the output from this modeling did not meet the statistical confidence thresholds required to predict the impact of this variant on RP2 protein function. This sequence change replaces lysine, which is basic and polar, with glutamine, which is neutral and polar, at codon 294 of the RP2 protein (p.Lys294Gln). This variant is present in population databases (no rsID available, gnomAD 0.02%), including at least one homozygous and/or hemizygous individual. This variant has not been reported in the literature in individuals affected with RP2-related conditions.

NM_006915.3(RP2):c.880A>C (p.Lys294Gln)

Gene: RP2 (RP2 activator of ARL3 GTPase; plus strand). Cytogenetic location: Xp11.3.
Variant type: single nucleotide variant.
Coding change: c.880A>C on transcript NM_006915.3 (MANE Select); coding-DNA position 880, A replaced by C.
Protein change: p.Lys294Gln; replaces lysine 294 with glutamine.
Molecular consequence: missense variant.
Genome position (GRCh38, 1-based): chrX:46,860,099, A>C. VCF-style: chrX-46860099-A-C. GRCh37 (hg19) VCF-style: chrX-46719534-A-C.
Other names: short protein forms K294Q.
Identifiers: ClinVar variation 3003252 (VCV003003252.3), dbSNP rs1556319908, ClinGen allele CA413040939.
Genomic context (GRCh38, chrX:46,860,099, plus strand): 5'-GCTGAGGATGCTCAAAGGGTTTTTCGGGAAAAAGCACCTGACTTCCTTCCTCTTCTGAAC[A>C]AAGGTACCTTCTGGATGATTGGTATACTTTTGTGGATATTTTCTTTACATGCTGATTTGA-3'
Protein context (NP_008846.2, residues 284-304): KAPDFLPLLN[Lys294Gln]GPVIALEFNG